The following is an entry in ClinVar:

ClinVar aggregate classification (germline): Pathogenic (1 of 4 stars; one submission).

Allele frequency attached by ClinVar (database versions not stated): gnomAD exomes below 0.00001; ExAC 0.00001.

Submission:

Labcorp Genetics (formerly Invitae), Labcorp
Classification: Pathogenic. Last evaluated: 2022-03-05. Review status: criteria provided, single submitter. Criteria: Invitae Variant Classification Sherloc (09022015). Collection method: clinical testing. Allele origin: germline.
Comment: This sequence change creates a premature translational stop signal (p.Leu599*) in the PLK4 gene. It is expected to result in an absent or disrupted protein product. Loss-of-function variants in PLK4 are known to be pathogenic (PMID: 25320347, 30842647). This variant is present in population databases (rs748772971, gnomAD 0.006%). This variant has not been reported in the literature in individuals affected with PLK4-related conditions. Algorithms developed to predict the effect of sequence changes on RNA splicing suggest that this variant may create or strengthen a splice site. For these reasons, this variant has been classified as Pathogenic.

Literature cited by the submitters: PubMed 25320347; PubMed 30842647.

NM_014264.5(PLK4):c.1796T>G (p.Leu599Ter)

Gene: PLK4 (polo like kinase 4; plus strand). Cytogenetic location: 4q28.1.
Variant type: single nucleotide variant.
Coding change: c.1796T>G on transcript NM_014264.5 (MANE Select); coding-DNA position 1796, T replaced by G.
Protein change: p.Leu599Ter; replaces leucine 599 with a stop codon.
Molecular consequence: nonsense.
Genome position (GRCh38, 1-based): chr4:127,890,202, T>G. VCF-style: chr4-127890202-T-G. GRCh37 (hg19) VCF-style: chr4-128811357-T-G.
Other names: c.1700T>G, p.Leu567Ter (NM_001190799.2); c.1673T>G, p.Leu558Ter (NM_001190801.2); short protein forms L599*, L558*, L567*.
Identifiers: ClinVar variation 2106876 (VCV002106876.4), dbSNP rs748772971, ClinGen allele CA3076844.
Genomic context (GRCh38, chr4:127,890,202, plus strand): 5'-CATGGGGTTATCAGAATCGTACATTAAGAAGCATTACATCTCCGTTGGTTGCTCACAGGT[T>G]AAAACCAATCAGACAGAAAACCAAAAAGGCTGTGGTATGTCTGTTATCTTCTTAAGTTAC-3'